The following is an entry in ClinVar:

NM_015488.5(PNKD):c.147_151del (p.Lys50fs)

Gene: PNKD (PNKD metallo-beta-lactamase domain containing; plus strand). Cytogenetic location: 2q35.
Variant type: Deletion.
Coding change: c.147_151del on transcript NM_015488.5 (MANE Select); coding-DNA positions 147 to 151, 5 bases deleted (CAAGG; older notation c.147_151delCAAGG).
Protein change: p.Lys50fs; shifts the reading frame from lysine 50.
Molecular consequence: frameshift variant.
Genome position (GRCh38, 1-based): chr2:218,271,460-218,271,464, CAAGG deleted; deleting any 5 consecutive bases within chr2:218,271,458-218,271,464 gives the same sequence; the c. name uses the placement nearest the transcript's 3' end. VCF-style (leftmost placement, unchanged base first): chr2-218271457-GGGCAA-G. GRCh37 (hg19) VCF-style: chr2-219136180-GGGCAA-G.
Other names: c.147_151del, p.Lys50fs (NM_001077399.3); short protein forms K50fs.
Identifiers: ClinVar variation 3023770 (VCV003023770.3), dbSNP rs747278532, ClinGen allele CA2103254.
Genomic context (GRCh38, chr2:218,271,457, plus strand): 5'-CACAGCTAACAAGGCTTCTCATAACAGGACCCGGGCCCTGCAAAGCCACAGCTCCCCAGA[GGGCAA>G]GGAGGAACCTGAACCCCTATCCCCGGAGCTGGAATACATTCCCAGAAAGAGGGGCAAGAA-3'

ClinVar aggregate classification (germline): Uncertain significance (1 of 4 stars; one submission).

Conditions:
Paroxysmal nonkinesigenic dyskinesia. Also called: Paroxysmal non-kinesigenic dyskinesia. Identifiers: Orphanet 98810, MedGen C1869117, MONDO:0700088.

Submission:

Labcorp Genetics (formerly Invitae), Labcorp
Classification: Uncertain significance for Paroxysmal nonkinesigenic dyskinesia. Last evaluated: 2023-03-02. Review status: criteria provided, single submitter. Criteria: Invitae Variant Classification Sherloc (09022015). Collection method: clinical testing. Allele origin: germline.
Comment: In summary, the available evidence is currently insufficient to determine the role of this variant in disease. Therefore, it has been classified as a Variant of Uncertain Significance. This variant has not been reported in the literature in individuals affected with PNKD-related conditions. This variant is present in population databases (rs747278532, gnomAD 0.007%). This sequence change creates a premature translational stop signal (p.Lys50Glyfs*3) in the PNKD gene. It is expected to result in an absent or disrupted protein product. However, the current clinical and genetic evidence is not sufficient to establish whether loss-of-function variants in PNKD cause disease.